The following is an entry in ClinVar:

ClinVar aggregate classification (germline): Conflicting classifications of pathogenicity. Review status: criteria provided, conflicting classifications (1 of 4 stars). 3 submissions from 3 submitters: Uncertain significance (2); Likely benign (1). Last evaluated 2025-12-03.

Conditions:
Spastic paraplegia. Identifiers: MedGen C0037772, HP:0001258.

gnomAD v4.1: 6 of 1,614,052 alleles (0.00037%); highest among the groups gnomAD compares: East Asian, 0.0022%; no homozygotes.

Submissions (3):

Labcorp Genetics (formerly Invitae), Labcorp
Classification: Uncertain significance for Spastic paraplegia. Last evaluated: 2025-12-03. Review status: criteria provided, single submitter. Criteria: Invitae Variant Classification Sherloc (09022015). Collection method: clinical testing. Allele origin: germline.
Comment: This sequence change falls in intron 2 of the VAMP1 gene. It does not directly change the encoded amino acid sequence of the VAMP1 protein. This variant is present in population databases (no rsID available, gnomAD 0.003%). This variant has not been reported in the literature in individuals affected with VAMP1-related conditions. Algorithms developed to predict the effect of sequence changes on RNA splicing suggest that this variant may create or strengthen a splice site. In summary, the available evidence is currently insufficient to determine the role of this variant in disease. Therefore, it has been classified as a Variant of Uncertain Significance.

Dasa
Classification: Uncertain significance. Last evaluated: 2025-03-05. Review status: criteria provided, single submitter. Criteria: DASA Assertion Criteria. Collection method: clinical testing. Allele origin: germline.
Comment: NM_014231.5(VAMP1):c.129+9A>G is a splice-region variant predicted to affect normal RNA splicing. This variant is rare in population databases. Computational prediction algorithms are consistent with a deleterious effect. The currently available literature and clinical evidence are not sufficient to establish a definitive association between this variant and the reported condition. Therefore, this variant is classified as a variant of uncertain significance.

Blueprint Genetics
Classification: Likely benign. Last evaluated: 2023-10-20. Review status: criteria provided, single submitter. Criteria: ACMG Guidelines, 2015. Collection method: clinical testing. Allele origin: germline.

NM_014231.5(VAMP1):c.129+9A>G

Genes: TAPBPL (TAP binding protein like; plus strand), VAMP1 (vesicle associated membrane protein 1; minus strand). Cytogenetic location: 12p13.31.
Variant type: single nucleotide variant.
Coding change: c.129+9A>G on transcript NM_014231.5 (MANE Select); 9 bases into the intron after coding-DNA position 129, A replaced by G.
Molecular consequence: intron variant.
Genome position (GRCh38, 1-based): chr12:6,466,216, T>C on the plus strand (A>G on the coding strand, the complement: VAMP1 is on the minus strand). VCF-style: chr12-6466216-T-C. GRCh37 (hg19) VCF-style: chr12-6575382-T-C.
Other names: c.129+9A>G (NM_016830.4, NM_001297438.2, NM_199245.3).
Identifiers: ClinVar variation 4771264 (VCV004771264.4).